The following is an entry in ClinVar:

NM_001145418.2(TTC28):c.594C>T (p.Val198=)

Gene: TTC28 (tetratricopeptide repeat domain 28; minus strand). Cytogenetic location: 22q12.1.
Variant type: single nucleotide variant.
Coding change: c.594C>T on transcript NM_001145418.2 (MANE Select); coding-DNA position 594, C replaced by T.
Protein change: p.Val198=; no amino-acid change (valine 198 retained).
Molecular consequence: synonymous variant.
Genome position (GRCh38, 1-based): chr22:28,297,788, G>A on the plus strand (C>T on the coding strand, the complement: TTC28 is on the minus strand). VCF-style: chr22-28297788-G-A. GRCh37 (hg19) VCF-style: chr22-28693776-G-A.
Other names: c.594C>T, p.Val198= (NM_001393403.1); c.240C>T, p.Val80= (NM_001393404.1, NM_001393405.1).
Identifiers: ClinVar variation 3904943 (VCV003904943.10).

ClinVar aggregate classification (germline): Likely benign (1 of 4 stars; one submission).

gnomAD v4.1: 520 of 1,551,504 alleles (0.034%); highest among the groups gnomAD compares: Non-Finnish European, 0.042%; no homozygotes.

Submission:

CeGaT Center for Human Genetics Tuebingen
Classification: Likely benign. Last evaluated: 2025-05-01. Review status: criteria provided, single submitter. Criteria: CeGaT Center For Human Genetics Tuebingen Variant Classification Criteria Version 2. Collection method: clinical testing. Allele origin: germline. Affected: yes. Observed: 1 variant allele.
Comment: TTC28: BP4, BP7